The following is an entry in ClinVar:

NM_194293.4(XIRP1):c.2165C>T (p.Ala722Val)

Gene: XIRP1 (xin actin binding repeat containing 1; minus strand). Cytogenetic location: 3p22.2.
Variant type: single nucleotide variant.
Coding change: c.2165C>T on transcript NM_194293.4 (MANE Select); coding-DNA position 2165, C replaced by T.
Protein change: p.Ala722Val; replaces alanine 722 with valine.
Molecular consequence: missense variant. On other transcripts: intron variant (1).
Genome position (GRCh38, 1-based): chr3:39,187,281, G>A on the plus strand (C>T on the coding strand, the complement: XIRP1 is on the minus strand). VCF-style: chr3-39187281-G-A. GRCh37 (hg19) VCF-style: chr3-39228772-G-A.
Other names: c.2165C>T, p.Ala722Val (NM_001198621.4); c.-167-1620C>T (NM_001351377.2); short protein forms A722V.
Identifiers: ClinVar variation 783306 (VCV000783306.7), dbSNP rs61736153, ClinGen allele CA2326312.

ClinVar aggregate classification (germline): Benign. Review status: criteria provided, multiple submitters, no conflicts (2 of 4 stars). 3 submissions from 3 submitters: Benign (2). 1 of the submissions does not count toward it. Last evaluated 2019-12-31.

Conditions:
XIRP1-related disorder. Also called: XIRP1-related condition.

Allele frequency attached by ClinVar (database versions not stated): 1000 Genomes Project 30x 0.01202; gnomAD 0.01380 and 0.01438; ESP Exome Variant Server 0.01445; gnomAD exomes 0.00716 and 0.00717; ExAC 0.00782; 1000 Genomes Project 0.01298; TOPMed 0.01597.

Submissions (3):

Labcorp Genetics (formerly Invitae), Labcorp
Classification: Benign. Last evaluated: 2019-12-31. Review status: criteria provided, single submitter. Criteria: Invitae Variant Classification Sherloc (09022015). Collection method: clinical testing. Allele origin: germline.

Breakthrough Genomics
Classification: Benign. Review status: criteria provided, single submitter. Criteria: ACMG Guidelines, 2015. Collection method: not provided. Allele origin: germline. Inheritance: Unknown mechanism. Affected: yes.

PreventionGenetics, part of Exact Sciences
Classification: Benign for XIRP1-related condition. Last evaluated: 2019-02-25. Review status: no assertion criteria provided. Collection method: clinical testing. Allele origin: germline. Not counted in ClinVar's aggregate classification.
Comment: This variant is classified as benign based on ACMG/AMP sequence variant interpretation guidelines (Richards et al. 2015 PMID: 25741868, with internal and published modifications).